The following is an entry in ClinVar:

ClinVar aggregate classification (germline): Uncertain significance (1 of 4 stars; one submission).

Allele frequency attached by ClinVar (database versions not stated): gnomAD exomes below 0.00001.
gnomAD v4.1: 6 of 1,559,084 alleles (0.00038%); highest among the groups gnomAD compares: East Asian, 0.0023%; no homozygotes.

Submission:

CeGaT Center for Human Genetics Tuebingen
Classification: Uncertain significance. Last evaluated: 2023-08-01. Review status: criteria provided, single submitter. Criteria: CeGaT Center For Human Genetics Tuebingen Variant Classification Criteria Version 2. Collection method: clinical testing. Allele origin: germline. Affected: yes. Observed: 1 variant allele.
Comment: SHANK2: PM2:Supporting, PS4:Supporting

NM_012309.5(SHANK2):c.2242C>T (p.Arg748Cys)

Gene: SHANK2 (SH3 and multiple ankyrin repeat domains 2; minus strand). Cytogenetic location: 11q13.4.
Variant type: single nucleotide variant.
Coding change: c.2242C>T on transcript NM_012309.5 (MANE Select); coding-DNA position 2242, C replaced by T.
Protein change: p.Arg748Cys; replaces arginine 748 with cysteine.
Molecular consequence: missense variant. On other transcripts: non-coding transcript variant (1).
Genome position (GRCh38, 1-based): chr11:70,502,242, G>A on the plus strand (C>T on the coding strand, the complement: SHANK2 is on the minus strand). VCF-style: chr11-70502242-G-A. GRCh37 (hg19) VCF-style: chr11-70348347-G-A.
Other names: c.1105C>T, p.Arg369Cys (NM_001379226.1); c.478C>T, p.Arg160Cys (NM_133266.5); short protein forms R160C, R369C, R748C.
Identifiers: ClinVar variation 2642085 (VCV002642085.24), dbSNP rs868930163, ClinGen allele CA381692486.